The following is an entry in ClinVar:

NM_004360.5(CDH1):c.2554G>A (p.Glu852Lys)

Gene: CDH1 (cadherin 1; plus strand). Cytogenetic location: 16q22.1.
Variant type: single nucleotide variant.
Coding change: c.2554G>A on transcript NM_004360.5 (MANE Select); coding-DNA position 2554, G replaced by A.
Protein change: p.Glu852Lys; replaces glutamic acid 852 with lysine.
Molecular consequence: missense variant.
Genome position (GRCh38, 1-based): chr16:68,833,404, G>A. VCF-style: chr16-68833404-G-A. GRCh37 (hg19) VCF-style: chr16-68867307-G-A.
Other names: c.2371G>A, p.Glu791Lys (NM_001317184.2); c.1006G>A, p.Glu336Lys (NM_001317185.2); c.589G>A, p.Glu197Lys (NM_001317186.2); short protein forms E197K, E336K, E852K, E791K.
Identifiers: ClinVar variation 2006849 (VCV002006849.4), dbSNP rs2152144061, ClinGen allele CA396472418.

ClinVar aggregate classification (germline): Uncertain significance (1 of 4 stars; one submission).

Conditions:
Hereditary diffuse gastric adenocarcinoma (HDGC). Also called: DIFFUSE GASTRIC AND LOBULAR BREAST CANCER SYNDROME. Identifiers: Orphanet 26106, MedGen C1708349, MONDO:0007648, OMIM 137215.

Submission:

Labcorp Genetics (formerly Invitae), Labcorp
Classification: Uncertain significance for Hereditary diffuse gastric adenocarcinoma. Last evaluated: 2023-04-04. Review status: criteria provided, single submitter. Criteria: Invitae Variant Classification Sherloc (09022015). Collection method: clinical testing. Allele origin: germline.
Comment: This sequence change replaces glutamic acid, which is acidic and polar, with lysine, which is basic and polar, at codon 852 of the CDH1 protein (p.Glu852Lys). This variant is not present in population databases (gnomAD no frequency). This variant has not been reported in the literature in individuals affected with CDH1-related conditions. ClinVar contains an entry for this variant (Variation ID: 2006849). An algorithm developed to predict the effect of missense changes on protein structure and function (PolyPhen-2) suggests that this variant is likely to be tolerated. In summary, the available evidence is currently insufficient to determine the role of this variant in disease. Therefore, it has been classified as a Variant of Uncertain Significance.